The following is an entry in ClinVar:

NM_021096.4(CACNA1I):c.1734C>A (p.Gly578=)

Gene: CACNA1I (calcium voltage-gated channel subunit alpha1 I; plus strand). Cytogenetic location: 22q13.1.
Variant type: single nucleotide variant.
Coding change: c.1734C>A on transcript NM_021096.4 (MANE Select); coding-DNA position 1734, C replaced by A.
Protein change: p.Gly578=; no amino-acid change (glycine 578 retained).
Molecular consequence: synonymous variant.
Genome position (GRCh38, 1-based): chr22:39,649,667, C>A. VCF-style: chr22-39649667-C-A. GRCh37 (hg19) VCF-style: chr22-40045672-C-A.
Other names: c.1629C>A, p.Gly543= (NM_001003406.2).
Identifiers: ClinVar variation 2653155 (VCV002653155.24), dbSNP rs2518145446, ClinGen allele CA514786894.
Genomic context (GRCh38, chr22:39,649,667, plus strand): 5'-TGAGGACGGCCGGCGGCCCTCGGGCCTGGGCAGCACCGACTCGGGCCAGGAGGGCTCGGG[C>A]TCCGGGAGCTCCGCTGGTGGCGAGGACGAGGCGGATGGGGACGGGGCCCGGAGCAGCGAG-3'
Protein context (NP_066919.2, residues 568-588): GSTDSGQEGS[Gly578=]SGSSAGGEDE

ClinVar aggregate classification (germline): Likely benign (1 of 4 stars; one submission).

Submission:

CeGaT Center for Human Genetics Tuebingen
Classification: Likely benign. Last evaluated: 2022-08-01. Review status: criteria provided, single submitter. Criteria: CeGaT Center For Human Genetics Tuebingen Variant Classification Criteria Version 2. Collection method: clinical testing. Allele origin: germline. Affected: yes. Observed: 1 variant allele.
Comment: CACNA1I: PM2:Supporting, BP4, BP7